The following is an entry in ClinVar:

NM_002529.4(NTRK1):c.575G>C (p.Gly192Ala)

Gene: NTRK1 (neurotrophic receptor tyrosine kinase 1; plus strand). Cytogenetic location: 1q23.1.
Variant type: single nucleotide variant.
Coding change: c.575G>C on transcript NM_002529.4 (MANE Select); coding-DNA position 575, G replaced by C.
Protein change: p.Gly192Ala; replaces glycine 192 with alanine.
Molecular consequence: missense variant.
Genome position (GRCh38, 1-based): chr1:156,868,505, G>C. VCF-style: chr1-156868505-G-C. GRCh37 (hg19) VCF-style: chr1-156838297-G-C.
Other names: c.575G>C (NM_002529.3); c.485G>C, p.Gly162Ala (NM_001007792.1); c.575G>C, p.Gly192Ala (NM_001012331.2); short protein forms G162A, G192A.
Identifiers: ClinVar variation 526742 (VCV000526742.44), dbSNP rs201185829, ClinGen allele CA1169049.

ClinVar aggregate classification (germline): Conflicting classifications of pathogenicity. Review status: criteria provided, conflicting classifications (1 of 4 stars). 6 submissions from 6 submitters: Uncertain significance (3); Likely benign (3). Last evaluated 2026-01-11.

Conditions:
NTRK1-related disorder. Also called: NTRK1-related condition.
Inborn genetic diseases. Identifiers: MedGen C0950123, MeSH D030342.
Hereditary insensitivity to pain with anhidrosis (CIPA). Also called: hereditary sensory and autonomic neuropathy type 4; INSENSITIVITY TO PAIN, CONGENITAL, WITH ANHIDROSIS; NTRK1 Congenital Insensitivity to Pain with Anhidrosis; HSAN Type IV; FAMILIAL DYSAUTONOMIA, TYPE II; NEUROPATHY, CONGENITAL SENSORY, WITH ANHIDROSIS. Identifiers: Orphanet 642, MedGen C0020074, MONDO:0009746, OMIM 256800.

Allele frequency attached by ClinVar (database versions not stated): ESP Exome Variant Server 0.00008; gnomAD 0.00027 and 0.00028; TOPMed 0.00035; gnomAD exomes 0.00042; ExAC 0.00069.
gnomAD v4.1: 492 of 1,557,322 alleles (0.032%); highest among the groups gnomAD compares: Admixed American, 0.063%; no homozygotes.

Submissions (6):

Labcorp Genetics (formerly Invitae), Labcorp
Classification: Likely benign for Hereditary insensitivity to pain with anhidrosis. Last evaluated: 2026-01-11. Review status: criteria provided, single submitter. Criteria: Invitae Variant Classification Sherloc (09022015). Collection method: clinical testing. Allele origin: germline.

PreventionGenetics, part of Exact Sciences
Classification: Likely benign for NTRK1-related condition. Last evaluated: 2025-05-07. Review status: criteria provided, single submitter. Criteria: ACMG Guidelines, 2015. Collection method: clinical testing. Allele origin: germline.
Comment: This variant is classified as likely benign based on ACMG/AMP sequence variant interpretation guidelines (Richards et al. 2015 PMID: 25741868, with internal and published modifications).

CeGaT Center for Human Genetics Tuebingen
Classification: Likely benign. Last evaluated: 2024-04-01. Review status: criteria provided, single submitter. Criteria: CeGaT Center For Human Genetics Tuebingen Variant Classification Criteria Version 2. Collection method: clinical testing. Allele origin: germline. Affected: yes. Observed: 2 variant alleles.
Comment: NTRK1: BP4

GeneDx
Classification: Uncertain significance. Last evaluated: 2024-03-13. Review status: criteria provided, single submitter. Criteria: GeneDx Variant Classification Process June 2021. Collection method: clinical testing. Allele origin: germline. Affected: yes.
Comment: Identified in a cohort of patients with high neuropathy, although individual clinical features or number of patients with this variant were not described (PMID: 27582484); In silico analysis supports that this missense variant does not alter protein structure/function; This variant is associated with the following publications: (PMID: 27582484)

Ambry Genetics
Classification: Uncertain significance for Inborn genetic diseases. Last evaluated: 2021-03-19. Review status: criteria provided, single submitter. Criteria: Ambry Variant Classification Scheme 2023. Collection method: clinical testing. Allele origin: germline.
Comment: The p.G192A variant (also known as c.575G>C) is located in coding exon 6 of the NTRK1 gene. The glycine at codon 192 is replaced by alanine, an amino acid with similar properties. This change occurs in the first base pair of coding exon 6. This amino acid position is well conserved in available vertebrate species. In addition, the in silico prediction for this alteration is inconclusive. Since supporting evidence is limited at this time, the clinical significance of this alteration remains unclear.

Illumina Laboratory Services, Illumina
Classification: Uncertain significance for Hereditary insensitivity to pain with anhidrosis. Last evaluated: 2017-04-28. Review status: criteria provided, single submitter. Criteria: ICSL Variant Classification Criteria 13 December 2019. Collection method: clinical testing. Allele origin: germline.